The following is an entry in ClinVar:

NM_032447.5(FBN3):c.7087+5G>T

Gene: FBN3 (fibrillin 3; minus strand). Cytogenetic location: 19p13.2.
Variant type: single nucleotide variant.
Coding change: c.7087+5G>T on transcript NM_032447.5 (MANE Select); 5 bases into the intron after coding-DNA position 7087, G replaced by T.
Molecular consequence: intron variant.
Genome position (GRCh38, 1-based): chr19:8,085,358, C>A on the plus strand (G>T on the coding strand, the complement: FBN3 is on the minus strand). VCF-style: chr19-8085358-C-A. GRCh37 (hg19) VCF-style: chr19-8150242-C-A.
Other names: c.7087+5G>T (NM_001321431.2).
Identifiers: ClinVar variation 1424424 (VCV001424424.6), dbSNP rs2081915849, ClinGen allele CA2321243867.
Genomic context (GRCh38, chr19:8,085,358, plus strand): 5'-CATGACCCTGAGCAAACTCCCCCGTTTCTTGCCTCCCTGGGGGTCCTGAGGGCATGGGCA[C>A]CCACCTCGGCCCTCAGCAGTGTAGCCTGAGCCATGGGGGCACAGCTTCCTGTAGGCAGAG-3'

ClinVar aggregate classification (germline): Uncertain significance (1 of 4 stars; one submission).

Allele frequency attached by ClinVar (database versions not stated): TOPMed 0.00001; gnomAD exomes 0.00003.
gnomAD v4.1: 39 of 1,563,944 alleles (0.0025%); highest among the groups gnomAD compares: Non-Finnish European, 0.0034%; no homozygotes.

Submission:

Labcorp Genetics (formerly Invitae), Labcorp
Classification: Uncertain significance. Last evaluated: 2021-09-21. Review status: criteria provided, single submitter. Criteria: Invitae Variant Classification Sherloc (09022015). Collection method: clinical testing. Allele origin: germline.
Comment: This variant is not present in population databases (ExAC no frequency). This sequence change falls in intron 56 of the FBN3 gene. It does not directly change the encoded amino acid sequence of the FBN3 protein. It affects a nucleotide within the consensus splice site of the intron. This variant has not been reported in the literature in individuals affected with FBN3-related conditions. In summary, the available evidence is currently insufficient to determine the role of this variant in disease. Therefore, it has been classified as a Variant of Uncertain Significance. Variants that disrupt the consensus splice site are a relatively common cause of aberrant splicing (PMID: 17576681, 9536098). Experimental studies and prediction algorithms are not available or were not evaluated, and the effect of this variant on mRNA splicing is currently unknown.

Literature cited by the submitters: PubMed 17576681; PubMed 9536098.